The following is an entry in ClinVar:

ClinVar aggregate classification (germline): Benign/Likely benign. Review status: criteria provided, multiple submitters, no conflicts (2 of 4 stars). 5 submissions from 5 submitters: Benign (3); Likely benign (1). 1 of the submissions does not count toward it. Last evaluated 2026-02-02.

Conditions:
CARMIL2-related disorder. Also called: CARMIL2-related condition.

Allele frequency attached by ClinVar (database versions not stated): 1000 Genomes Project 30x 0.01156; 1000 Genomes Project 0.01158; TOPMed 0.02974; ESP Exome Variant Server 0.03508.
gnomAD v4.1: 74,169 of 1,613,644 alleles (4.6%); highest among the groups gnomAD compares: Non-Finnish European, 5.6%; 2,087 homozygotes.

Submissions (5):

Labcorp Genetics (formerly Invitae), Labcorp
Classification: Benign. Last evaluated: 2026-02-02. Review status: criteria provided, single submitter. Criteria: Invitae Variant Classification Sherloc (09022015). Collection method: clinical testing. Allele origin: germline.

Blueprint Genetics
Classification: Likely benign. Last evaluated: 2024-11-27. Review status: criteria provided, single submitter. Criteria: ACMG Guidelines, 2015. Collection method: clinical testing. Allele origin: germline.

Mayo Clinic Laboratories, Mayo Clinic
Classification: Benign. Last evaluated: 2022-09-06. Review status: criteria provided, single submitter. Criteria: ACMG Guidelines, 2015. Collection method: clinical testing. Allele origin: germline. Observed: 18 variant alleles.

Breakthrough Genomics
Classification: Benign. Review status: criteria provided, single submitter. Criteria: ACMG Guidelines, 2015. Collection method: not provided. Allele origin: germline. Inheritance: Autosomal recessive inheritance. Affected: yes.

PreventionGenetics, part of Exact Sciences
Classification: Benign for CARMIL2-related condition. Last evaluated: 2019-04-29. Review status: no assertion criteria provided. Collection method: clinical testing. Allele origin: germline. Not counted in ClinVar's aggregate classification.
Comment: This variant is classified as benign based on ACMG/AMP sequence variant interpretation guidelines (Richards et al. 2015 PMID: 25741868, with internal and published modifications).

NM_001013838.3(CARMIL2):c.541G>A (p.Val181Met)

Gene: CARMIL2 (capping protein regulator and myosin 1 linker 2; plus strand). Cytogenetic location: 16q22.1.
Variant type: single nucleotide variant.
Coding change: c.541G>A on transcript NM_001013838.3 (MANE Select); coding-DNA position 541, G replaced by A.
Protein change: p.Val181Met; replaces valine 181 with methionine.
Molecular consequence: missense variant.
Genome position (GRCh38, 1-based): chr16:67,646,903, G>A. VCF-style: chr16-67646903-G-A. GRCh37 (hg19) VCF-style: chr16-67680806-G-A.
Other names: p.Val181Met; c.541G>A (NM_001013838.1); c.541G>A, p.Val181Met (NM_001317026.3); short protein forms V181M.
Identifiers: ClinVar variation 1165629 (VCV001165629.14), dbSNP rs117556162, ClinGen allele CA8113119.
Genomic context (GRCh38, chr16:67,646,903, plus strand): 5'-GCCCCTCCCTGCCCCTTGTGGCCCCAGGCGAACTGTAAGCATCTCCTTCTCACCCAGGAC[G>A]TGGACACCATTTACCATCGCCAGGGCTGCCGCCATTTCAGCCTGGGAGACTTCAGCCACC-3'
Protein context (NP_001013860.1, residues 171-191): FPFREEIQWD[Val181Met]DTIYHRQGCR